The following is an entry in ClinVar:

ClinVar aggregate classification (germline): Likely benign. Review status: criteria provided, multiple submitters, no conflicts (2 of 4 stars). 2 submissions from 2 submitters: Likely benign (2). Last evaluated 2025-04-23.

Conditions:
Myofibrillar myopathy 4. Also called: Zaspopathy (type). Identifiers: Orphanet 98912, MedGen C4721886, MONDO:0012277, OMIM 609452.

Allele frequency attached by ClinVar (database versions not stated): gnomAD 0.00001; gnomAD exomes 0.00001; ExAC 0.00002; 1000 Genomes Project 0.00020; 1000 Genomes Project 30x 0.00031.
gnomAD v4.1: 5 of 1,613,908 alleles (0.00031%); highest among the groups gnomAD compares: South Asian, 0.0033%; no homozygotes.

Submissions (2):

Labcorp Genetics (formerly Invitae), Labcorp
Classification: Likely benign for Myofibrillar myopathy 4. Last evaluated: 2025-04-23. Review status: criteria provided, single submitter. Criteria: Invitae Variant Classification Sherloc (09022015). Collection method: clinical testing. Allele origin: germline.

Laboratory for Molecular Medicine, Mass General Brigham Personalized Medicine
Classification: Likely benign. Last evaluated: 2014-08-26. Review status: criteria provided, single submitter. Criteria: LMM Criteria. Collection method: clinical testing. Allele origin: germline. Observed: 1 variant allele.
Comment: 345-5C>T in intron 5 of LDB3: This variant is not expected to have clinical sign ificance because a C>T change at this position does not diverge from the splice consensus sequence and is therefore unlikely to impact splicing.

NM_007078.3(LDB3):c.690-4832C>T

Genes: LDB3 (LIM domain binding 3; plus strand), LOC110121486 (VISTA enhancer hs2143; plus strand). Cytogenetic location: 10q23.2.
Variant type: single nucleotide variant.
Coding change: c.690-4832C>T on transcript NM_007078.3 (MANE Select); 4832 bases into the intron before coding-DNA position 690, C replaced by T.
Molecular consequence: intron variant.
Genome position (GRCh38, 1-based): chr10:86,687,064, C>T. VCF-style: chr10-86687064-C-T. GRCh37 (hg19) VCF-style: chr10-88446821-C-T.
Other names: c.345-5C>T (NM_001080116.1, NM_001368068.1, NM_001368066.1 and 2 more transcripts); c.690-4832C>T (NM_001368064.1, NM_001368063.1, NM_001368065.1 and 1 more transcripts); c.690-5C>T (NM_001171610.2, NM_001171611.2).
Identifiers: ClinVar variation 179951 (VCV000179951.7), dbSNP rs546887989, ClinGen allele CA185496.